The following is an entry in ClinVar:

ClinVar aggregate classification (germline): Uncertain significance (1 of 4 stars; one submission).

Submission:

GeneDx
Classification: Uncertain significance. Last evaluated: 2024-12-05. Review status: criteria provided, single submitter. Criteria: GeneDx Variant Classification Process June 2021. Collection method: clinical testing. Allele origin: germline. Affected: yes.
Comment: Nonsense variant predicted to result in protein truncation or nonsense mediated decay in a gene for which loss of function is a known mechanism of disease; Has not been previously published as pathogenic or benign to our knowledge

NM_001004320.2(AGMO):c.920dup (p.Gly307_Lys308insTer)

Gene: AGMO (alkylglycerol monooxygenase; minus strand). Cytogenetic location: 7p21.2.
Variant type: Duplication.
Coding change: c.920dup on transcript NM_001004320.2 (MANE Select); coding-DNA position 920, one base duplicated (G; older notation c.920dupG).
Protein change: p.Gly307_Lys308insTer.
Molecular consequence: frameshift variant.
Genome position (GRCh38, 1-based): chr7:15,387,443, C duplicated on the plus strand (G on the coding strand, the reverse complement: AGMO is on the minus strand); the first of 2 consecutive C bases (chr7:15,387,443-15,387,444); duplicating either gives the same sequence. VCF-style (leftmost placement, unchanged base first): chr7-15387442-A-AC. GRCh37 (hg19) VCF-style: chr7-15427067-A-AC.
Identifiers: ClinVar variation 3901571 (VCV003901571.1).